The following is an entry in ClinVar:

ClinVar aggregate classification (germline): Uncertain significance (1 of 4 stars; one submission).

Submission:

GeneDx
Classification: Uncertain significance. Last evaluated: 2023-10-19. Review status: criteria provided, single submitter. Criteria: GeneDx Variant Classification Process June 2021. Collection method: clinical testing. Allele origin: germline. Affected: yes.
Comment: Not observed at significant frequency in large population cohorts (gnomAD); In-frame deletion of 1 amino acid in a non-repeat region; In silico analysis supports that this variant does not alter protein structure/function; Has not been previously published as pathogenic or benign to our knowledge; Variants in candidate genes are classified as variants of uncertain significance in accordance with ACMG guidelines (Richards et al., 2015)

NM_003410.4(ZFX):c.598CAG[1] (p.Gln201del)

Gene: ZFX (zinc finger protein X-linked; plus strand). Cytogenetic location: Xp22.11.
Variant type: Microsatellite.
Coding change: c.598CAG[1] on transcript NM_003410.4 (MANE Select); one copy of the 3-base unit CAG starting at c.598; the reference has two copies in a row; one copy, 3 bases deleted.
Protein change: p.Gln201del; deletes glutamine 201.
Molecular consequence: intron variant (on NM_001178086.2).
Genome position (GRCh38, 1-based): chrX:24,179,725-24,179,727, CAG deleted; deleting any 3 consecutive bases within chrX:24,179,722-24,179,727 gives the same sequence; the position shown is the placement nearest the transcript's 3' end. VCF-style (leftmost placement, unchanged base first): chrX-24179721-CCAG-C. GRCh37 (hg19) VCF-style: chrX-24197838-CCAG-C.
Other names: c.598CAG[1], p.Gln201del (NM_001178084.2, NM_001178085.1, NM_001178095.2); c.715CAG[1], p.Gln240del (NM_001330327.2); c.-41-27601_-41-27599del (NM_001178086.2); c.601_603del (NM_001178085.1); short protein forms Q201del, Q240del.
Identifiers: ClinVar variation 3366056 (VCV003366056.1).
Genomic context (GRCh38, chrX:24,179,721, plus strand): 5'-AGTATTGGTAGCAGACTGTGCCTCTGAAGCAGTCATAGATGCCAATGGGATCCCTGTGGA[CCAG>C]CAGGATGATGACAAAGGCAACTGTGAGGACTACCTTATGATTTCCTGTAAGTCTTGGGGT-3'